The following is an entry in ClinVar:

NM_005188.4(CBL):c.724G>A (p.Asp242Asn)

Gene: CBL (Cbl proto-oncogene; plus strand). Cytogenetic location: 11q23.3.
Variant type: single nucleotide variant.
Coding change: c.724G>A on transcript NM_005188.4 (MANE Select); coding-DNA position 724, G replaced by A.
Protein change: p.Asp242Asn; replaces aspartic acid 242 with asparagine.
Molecular consequence: missense variant.
Genome position (GRCh38, 1-based): chr11:119,274,001, G>A. VCF-style: chr11-119274001-G-A. GRCh37 (hg19) VCF-style: chr11-119144711-G-A.
Other names: short protein forms D242N.
Identifiers: ClinVar variation 4613832 (VCV004613832.1).

ClinVar aggregate classification (germline): Uncertain significance (1 of 4 stars; one submission).

Conditions:
Cardiovascular phenotype. Identifiers: MedGen CN230736.

Submission:

Ambry Genetics
Classification: Uncertain significance for Cardiovascular phenotype. Last evaluated: 2025-10-10. Review status: criteria provided, single submitter. Criteria: Ambry Variant Classification Scheme 2023. Collection method: clinical testing. Allele origin: germline.
Comment: The p.D242N variant (also known as c.724G>A), located in coding exon 4 of the CBL gene, results from a G to A substitution at nucleotide position 724. The aspartic acid at codon 242 is replaced by asparagine, an amino acid with highly similar properties. This amino acid position is conserved. In addition, the in silico prediction for this alteration is inconclusive. Based on the available evidence, the clinical significance of this variant remains unclear.